The following is an entry in ClinVar:

NM_206933.4(USH2A):c.2809+1G>A

Genes: USH2A (usherin; minus strand), LOC122152296 (Sharpr-MPRA regulatory region 8762; plus strand). Cytogenetic location: 1q41.
Variant type: single nucleotide variant.
Coding change: c.2809+1G>A on transcript NM_206933.4 (MANE Select); the canonical splice donor site of the intron after coding-DNA position 2809, G replaced by A.
Molecular consequence: splice donor variant.
Genome position (GRCh38, 1-based): chr1:216,246,584, C>T on the plus strand (G>A on the coding strand, the complement: USH2A is on the minus strand). VCF-style: chr1-216246584-C-T. GRCh37 (hg19) VCF-style: chr1-216419926-C-T.
Other names: c.2809+1G>A (NM_007123.6).
Identifiers: ClinVar variation 801616 (VCV000801616.13), dbSNP rs759433119, ClinGen allele CA1396162.

ClinVar aggregate classification (germline): Pathogenic. Review status: criteria provided, multiple submitters, no conflicts (2 of 4 stars). 7 submissions from 6 submitters: Pathogenic (7). Last evaluated 2025-11-24.

Conditions:
Usher syndrome. Also called: Usher's syndrome; Usher Syndromes. Identifiers: Orphanet 886, MedGen CN469326, MeSH D052245, MONDO:0019501. Disease mechanism: loss of function.
USH2A-related disorder. Also called: USH2A-related condition; USH2A-related disorders. Identifiers: MedGen CN239332.
Retinitis pigmentosa 39 (RP39). Identifiers: Orphanet 791, MedGen C3151138, MONDO:0013436, OMIM 613809.
Usher syndrome type 2A. Also called: RETINAL DISEASE IN USHER SYNDROME TYPE IIA, MODIFIER OF; USHER SYNDROME, TYPE IIA. Identifiers: Orphanet 231178, Orphanet 886, MedGen C1848634, MONDO:0010169, OMIM 276901.

Allele frequency attached by ClinVar (database versions not stated): gnomAD exomes below 0.00001; TOPMed below 0.00001; ExAC 0.00001.
gnomAD v4.1: 4 of 1,613,870 alleles (0.00025%); highest among the groups gnomAD compares: Non-Finnish European, 0.00034%; no homozygotes.

Submissions (7):

Labcorp Genetics (formerly Invitae), Labcorp
Classification: Pathogenic. Last evaluated: 2025-11-24. Review status: criteria provided, single submitter. Criteria: Invitae Variant Classification Sherloc (09022015). Collection method: clinical testing. Allele origin: germline.
Comment: This sequence change affects a donor splice site in intron 13 of the USH2A gene. It is expected to disrupt RNA splicing. Variants that disrupt the donor or acceptor splice site typically lead to a loss of protein function (PMID: 16199547), and loss-of-function variants in USH2A are known to be pathogenic (PMID: 10729113, 10909849, 20507924, 25649381). This variant is present in population databases (rs759433119, gnomAD 0.004%). Disruption of this splice site has been observed in individuals with Usher syndrome (PMID: 24944099, 26969326; internal data). ClinVar contains an entry for this variant (Variation ID: 801616). Algorithms developed to predict the effect of sequence changes on RNA splicing suggest that this variant may disrupt the consensus splice site. For these reasons, this variant has been classified as Pathogenic.

Natera, Inc.
Classification: Pathogenic for Usher syndrome type 2A. Last evaluated: 2025-01-30. Review status: criteria provided, single submitter. Criteria: Natera Variant Classification Schema (03/2026). Collection method: clinical testing. Allele origin: germline.
Comment: The c.2809+1G>A variant in USH2A is a canonical splice donor site variant predicted to affect pre-mRNA splicing, which may result in an abnormal transcript and altered protein product. This variant is expected to result in nonsense mediated decay, truncation, or a dysfunctional protein product. This variant is rare in the general population with a frequency below the threshold expected for the associated phenotype(s). This variant has been observed in one or more individuals affected with the associated recessive disease, as either homozygous or compound heterozygous with a second variant (PMID: 34948090, 24944099). Given the available evidence, this variant is classified as Pathogenic.

Women's Health and Genetics/Laboratory Corporation of America, LabCorp
Classification: Pathogenic for Usher syndrome. Last evaluated: 2023-04-25. Review status: criteria provided, single submitter. Criteria: LabCorp Variant Classification Summary - May 2015. Collection method: clinical testing. Allele origin: germline.
Comment: Variant summary: USH2A c.2809+1G>A is located in a canonical splice-site and is predicted to affect mRNA splicing resulting in a significantly altered protein due to either exon skipping, shortening, or inclusion of intronic material. Several computational tools predict a significant impact on normal splicing: Four predict the variant abolishes a 5 prime splicing donor site. However, these predictions have yet to be confirmed by functional studies. The variant allele was found at a frequency of 4e-06 in 251038 control chromosomes. c.2809+1G>A has been reported in the literature in individuals affected with Usher Syndrome (e.g. Mansard_2021). To our knowledge, no experimental evidence demonstrating an impact on protein function has been reported. The following publication has been ascertained in the context of this evaluation (PMID: 34948090). Three clinical diagnostic laboratories have submitted clinical-significance assessments for this variant to ClinVar after 2014 without evidence for independent evaluation. All laboratories classified the variant as pathogenic. In addition, other variants affecting this splice site have been reported (ClinVar databse). Based on the evidence outlined above, the variant was classified as pathogenic.

Genome-Nilou Lab
Classification: Pathogenic for Retinitis pigmentosa 39. Last evaluated: 2023-04-11. Review status: criteria provided, single submitter. Criteria: ACMG Guidelines, 2015. Collection method: clinical testing. Allele origin: germline. Affected: no.

Genome-Nilou Lab
Classification: Pathogenic for Usher syndrome type 2A. Last evaluated: 2023-04-11. Review status: criteria provided, single submitter. Criteria: ACMG Guidelines, 2015. Collection method: clinical testing. Allele origin: germline. Affected: no.

Mendelics
Classification: Pathogenic for Usher syndrome type 2A. Last evaluated: 2019-05-28. Review status: criteria provided, single submitter. Criteria: Mendelics Assertion Criteria 2017. Collection method: clinical testing. Allele origin: unknown.

Blueprint Genetics
Classification: Pathogenic for USH2A-related disorders. Last evaluated: 2018-10-11. Review status: criteria provided, single submitter. Criteria: ACMG Guidelines, 2015. Collection method: clinical testing. Allele origin: germline. Affected: yes. Observed: 2 variant alleles.

Literature cited by the submitters: PubMed 16199547 (cited by Labcorp Genetics (formerly Invitae), Labcorp); PubMed 10729113 (cited by Labcorp Genetics (formerly Invitae), Labcorp); PubMed 10909849 (cited by Labcorp Genetics (formerly Invitae), Labcorp); PubMed 20507924 (cited by Labcorp Genetics (formerly Invitae), Labcorp); PubMed 25649381 (cited by Labcorp Genetics (formerly Invitae), Labcorp); PubMed 24944099 (cited by Labcorp Genetics (formerly Invitae), Labcorp and Natera, Inc.); PubMed 26969326 (cited by Labcorp Genetics (formerly Invitae), Labcorp); PubMed 34948090 (cited by Natera, Inc. and Women's Health and Genetics/Laboratory Corporation of America, LabCorp).